The following is an entry in ClinVar:

NM_020937.4(FANCM):c.2706T>A (p.Asp902Glu)

Gene: FANCM (FA complementation group M; plus strand). Cytogenetic location: 14q21.2.
Variant type: single nucleotide variant.
Coding change: c.2706T>A on transcript NM_020937.4 (MANE Select); coding-DNA position 2706, T replaced by A.
Protein change: p.Asp902Glu; replaces aspartic acid 902 with glutamic acid.
Molecular consequence: missense variant.
Genome position (GRCh38, 1-based): chr14:45,175,460, T>A. VCF-style: chr14-45175460-T-A. GRCh37 (hg19) VCF-style: chr14-45644663-T-A.
Other names: c.2628T>A, p.Asp876Glu (NM_001308133.2); short protein forms D876E, D902E.
Identifiers: ClinVar variation 3848740 (VCV003848740.1).

ClinVar aggregate classification (germline): Uncertain significance (1 of 4 stars; one submission).

Conditions:
Inborn genetic diseases. Identifiers: MedGen C0950123, MeSH D030342.

Submission:

Ambry Genetics
Classification: Uncertain significance for Inborn genetic diseases. Last evaluated: 2025-02-19. Review status: criteria provided, single submitter. Criteria: Ambry Variant Classification Scheme 2023. Collection method: clinical testing. Allele origin: germline.
Comment: The p.D902E variant (also known as c.2706T>A), located in coding exon 14 of the FANCM gene, results from a T to A substitution at nucleotide position 2706. The aspartic acid at codon 902 is replaced by glutamic acid, an amino acid with highly similar properties. This amino acid position is conserved. In addition, this alteration is predicted to be tolerated by in silico analysis. Based on the available evidence, the clinical significance of this variant remains unclear.